The following is an entry in ClinVar:

NM_019066.5(MAGEL2):c.2969C>T (p.Pro990Leu)

Gene: MAGEL2 (MAGE family member L2; minus strand). Cytogenetic location: 15q11.2.
Variant type: single nucleotide variant.
Coding change: c.2969C>T on transcript NM_019066.5 (MANE Select); coding-DNA position 2969, C replaced by T.
Protein change: p.Pro990Leu; replaces proline 990 with leucine.
Molecular consequence: missense variant.
Genome position (GRCh38, 1-based): chr15:23,644,774, G>A on the plus strand (C>T on the coding strand, the complement: MAGEL2 is on the minus strand). VCF-style: chr15-23644774-G-A. GRCh37 (hg19) VCF-style: chr15-23889921-G-A.
Other names: short protein forms P990L.
Identifiers: ClinVar variation 4085104 (VCV004085104.8).

ClinVar aggregate classification (germline): Uncertain significance (1 of 4 stars; one submission).

Submission:

CeGaT Center for Human Genetics Tuebingen
Classification: Uncertain significance. Last evaluated: 2025-08-01. Review status: criteria provided, single submitter. Criteria: CeGaT Center For Human Genetics Tuebingen Variant Classification Criteria Version 2. Collection method: clinical testing. Allele origin: germline. Affected: yes. Observed: 1 variant allele.
Comment: MAGEL2: PM2, BP4